The following is an entry in ClinVar:

ClinVar aggregate classification (germline): Uncertain significance (1 of 4 stars; one submission).

Conditions:
Sponastrime dysplasia. Also called: SPONDYLAR AND NASAL ALTERATIONS WITH STRIATED METAPHYSES. Identifiers: Orphanet 93357, MedGen C1300260, MONDO:0010068, OMIM 271510.

gnomAD v4.1: 1 of 1,586,352 alleles (0.000063%); highest among the groups gnomAD compares: Non-Finnish European, 0.000086%; no homozygotes.

Submission:

Neuberg Centre For Genomic Medicine, NCGM
Classification: Uncertain significance for Sponastrime dysplasia. Review status: criteria provided, single submitter. Criteria: ACMG Guidelines, 2015. Collection method: clinical testing. Allele origin: germline. Affected: yes.
Comment: The missense variant p.Q430H in TONSL (NM_013432.5) has not been reported previously as a pathogenic variant nor as a benign variant, to our knowledge. The p.Q430H variant is novel (not in any individuals) in gnomAD Exomes and is novel (not in any individuals) in 1000 Genomes. The p.Q430H missense variant is predicted to be damaging by both SIFT and PolyPhen2. The nucleotide c.1290 in TONSL is predicted conserved by GERP++ and PhyloP across 100 vertebrates. For these reasons, this variant has been classified as Uncertain Significance.

NM_013432.5(TONSL):c.1290G>C (p.Gln430His)

Gene: TONSL (tonsoku like, DNA repair protein; minus strand). Cytogenetic location: 8q24.3.
Variant type: single nucleotide variant.
Coding change: c.1290G>C on transcript NM_013432.5 (MANE Select); coding-DNA position 1290, G replaced by C.
Protein change: p.Gln430His; replaces glutamine 430 with histidine.
Molecular consequence: missense variant.
Genome position (GRCh38, 1-based): chr8:144,440,351, C>G on the plus strand (G>C on the coding strand, the complement: TONSL is on the minus strand). VCF-style: chr8-144440351-C-G. GRCh37 (hg19) VCF-style: chr8-145665734-C-G.
Other names: short protein forms Q430H.
Identifiers: ClinVar variation 1339226 (VCV001339226.2), dbSNP rs770094484, ClinGen allele CA372668968.